The following is an entry in ClinVar:

ClinVar aggregate classification (germline): Uncertain significance (1 of 4 stars; one submission).

Conditions:
Wolman disease (WOLD). Also called: LYSOSOMAL ACID LIPASE DEFICIENCY, ACUTE INFANTILE; LYSOSOMAL ACID LIPASE DEFICIENCY, COMPLETE; LIPA DEFICIENCY, COMPLETE; LAL DEFICIENCY, COMPLETE; CHOLESTEROL ESTER HYDROLASE DEFICIENCY, COMPLETE; Acid cholesteryl ester hydrolase deficiency, Wolman type. Identifiers: Orphanet 75233, MedGen C0043208, MONDO:0019148, OMIM 620151.

Allele frequency attached by ClinVar (database versions not stated): gnomAD exomes 0.00003 and 0.00004; gnomAD 0.00004 and 0.00003; TOPMed 0.00004; ExAC 0.00002.
gnomAD v4.1: 54 of 1,472,590 alleles (0.0037%); highest among the groups gnomAD compares: Non-Finnish European, 0.0047%; no homozygotes.

Submission:

Labcorp Genetics (formerly Invitae), Labcorp
Classification: Uncertain significance for Wolman disease. Last evaluated: 2022-10-13. Review status: criteria provided, single submitter. Criteria: Invitae Variant Classification Sherloc (09022015). Collection method: clinical testing. Allele origin: germline.
Comment: This sequence change falls in intron 7 of the LIPA gene. It does not directly change the encoded amino acid sequence of the LIPA protein. This variant is present in population databases (rs747852495, gnomAD 0.02%). This variant has not been reported in the literature in individuals affected with LIPA-related conditions. ClinVar contains an entry for this variant (Variation ID: 1513664). Algorithms developed to predict the effect of sequence changes on RNA splicing suggest that this variant may disrupt the consensus splice site. In summary, the available evidence is currently insufficient to determine the role of this variant in disease. Therefore, it has been classified as a Variant of Uncertain Significance.

NM_000235.4(LIPA):c.823-17A>G

Gene: LIPA (lipase A, lysosomal acid type; minus strand). Cytogenetic location: 10q23.31.
Variant type: single nucleotide variant.
Coding change: c.823-17A>G on transcript NM_000235.4 (MANE Select); 17 bases into the intron before coding-DNA position 823, A replaced by G.
Molecular consequence: intron variant.
Genome position (GRCh38, 1-based): chr10:89,222,599, T>C on the plus strand (A>G on the coding strand, the complement: LIPA is on the minus strand). VCF-style: chr10-89222599-T-C. GRCh37 (hg19) VCF-style: chr10-90982356-T-C.
Other names: c.475-17A>G (NM_001288979.2); c.823-17A>G (NM_001127605.3).
Identifiers: ClinVar variation 1513664 (VCV001513664.5), dbSNP rs747852495, ClinGen allele CA5593595.